The following is an entry in ClinVar:

ClinVar aggregate classification (germline): Uncertain significance. Review status: criteria provided, multiple submitters, no conflicts (2 of 4 stars). 2 submissions from 2 submitters: Uncertain significance (2). Last evaluated 2025-03-31.

Conditions:
Cardiovascular phenotype. Identifiers: MedGen CN230736.
Distal myopathy with posterior leg and anterior hand involvement. Also called: WILLIAMS DISTAL MYOPATHY. Identifiers: Orphanet 63273, MedGen C3279722, MONDO:0013550, OMIM 614065.
Myofibrillar myopathy 5. Also called: Filaminopathy (type); FILAMINOPATHY, AUTOSOMAL DOMINANT. Identifiers: Orphanet 171445, MedGen C1836050, MONDO:0012289, OMIM 609524.
Hypertrophic cardiomyopathy 26. Also called: Cardiomyopathy, familial hypertrophic, 26. Identifiers: Orphanet 75249, MedGen C4310749, MONDO:0014883, OMIM 617047.

Submissions (2):

Labcorp Genetics (formerly Invitae), Labcorp
Classification: Uncertain significance for Distal myopathy with posterior leg and anterior hand involvement; Myofibrillar myopathy 5; Hypertrophic cardiomyopathy 26. Last evaluated: 2025-03-31. Review status: criteria provided, single submitter. Criteria: Invitae Variant Classification Sherloc (09022015). Collection method: clinical testing. Allele origin: germline.
Comment: This sequence change replaces arginine, which is basic and polar, with proline, which is neutral and non-polar, at codon 2180 of the FLNC protein (p.Arg2180Pro). This variant is not present in population databases (gnomAD no frequency). This variant has not been reported in the literature in individuals affected with FLNC-related conditions. ClinVar contains an entry for this variant (Variation ID: 539367). An algorithm developed to predict the effect of missense changes on protein structure and function (PolyPhen-2) suggests that this variant is likely to be tolerated. In summary, the available evidence is currently insufficient to determine the role of this variant in disease. Therefore, it has been classified as a Variant of Uncertain Significance.

Ambry Genetics
Classification: Uncertain significance for Cardiovascular phenotype. Last evaluated: 2023-10-08. Review status: criteria provided, single submitter. Criteria: Ambry Variant Classification Scheme 2023. Collection method: clinical testing. Allele origin: germline.
Comment: The p.R2180P variant (also known as c.6539G>C), located in coding exon 40 of the FLNC gene, results from a G to C substitution at nucleotide position 6539. The arginine at codon 2180 is replaced by proline, an amino acid with dissimilar properties. This amino acid position is highly conserved in available vertebrate species. In addition, the in silico prediction for this alteration is inconclusive. Since supporting evidence is limited at this time, the clinical significance of this alteration remains unclear.

NM_001458.5(FLNC):c.6539G>C (p.Arg2180Pro)

Genes: FLNC (filamin C; plus strand), FLNC-AS1 (FLNC antisense RNA 1; minus strand). Cytogenetic location: 7q32.1.
Variant type: single nucleotide variant.
Coding change: c.6539G>C on transcript NM_001458.5 (MANE Select); coding-DNA position 6539, G replaced by C.
Protein change: p.Arg2180Pro; replaces arginine 2180 with proline.
Molecular consequence: missense variant.
Genome position (GRCh38, 1-based): chr7:128,854,028, G>C. VCF-style: chr7-128854028-G-C. GRCh37 (hg19) VCF-style: chr7-128494082-G-C.
Other names: c.6440G>C, p.Arg2147Pro (NM_001127487.2); short protein forms R2180P, R2147P.
Identifiers: ClinVar variation 539367 (VCV000539367.11), dbSNP rs1554401209, ClinGen allele CA369212776.